The following is an entry in ClinVar:

ClinVar aggregate classification (germline): Uncertain significance (1 of 4 stars; one submission).

Submission:

Labcorp Genetics (formerly Invitae), Labcorp
Classification: Uncertain significance. Last evaluated: 2023-12-19. Review status: criteria provided, single submitter. Criteria: Invitae Variant Classification Sherloc (09022015). Collection method: clinical testing. Allele origin: germline.
Comment: This sequence change replaces alanine, which is neutral and non-polar, with threonine, which is neutral and polar, at codon 470 of the MYLK3 protein (p.Ala470Thr). This variant is not present in population databases (gnomAD no frequency). This variant has not been reported in the literature in individuals affected with MYLK3-related conditions. Algorithms developed to predict the effect of missense changes on protein structure and function output the following: SIFT: "Not Available"; PolyPhen-2: "Benign"; Align-GVGD: "Not Available". The threonine amino acid residue is found in multiple mammalian species, which suggests that this missense change does not adversely affect protein function. In summary, the available evidence is currently insufficient to determine the role of this variant in disease. Therefore, it has been classified as a Variant of Uncertain Significance.

NM_182493.3(MYLK3):c.1408G>A (p.Ala470Thr)

Gene: MYLK3 (myosin light chain kinase 3; minus strand). Cytogenetic location: 16q11.2.
Variant type: single nucleotide variant.
Coding change: c.1408G>A on transcript NM_182493.3 (MANE Select); coding-DNA position 1408, G replaced by A.
Protein change: p.Ala470Thr; replaces alanine 470 with threonine.
Molecular consequence: missense variant.
Genome position (GRCh38, 1-based): chr16:46,732,262, C>T on the plus strand (G>A on the coding strand, the complement: MYLK3 is on the minus strand). VCF-style: chr16-46732262-C-T. GRCh37 (hg19) VCF-style: chr16-46766174-C-T.
Other names: c.385G>A, p.Ala129Thr (NM_001308301.1); short protein forms A129T, A470T.
Identifiers: ClinVar variation 2878150 (VCV002878150.3), dbSNP rs2548905824, ClinGen allele CA395791966.